The following is an entry in ClinVar:

ClinVar aggregate classification (germline): Uncertain significance (1 of 4 stars; one submission).

Submission:

Women's Health and Genetics/Laboratory Corporation of America, LabCorp
Classification: Uncertain significance. Last evaluated: 2026-02-11. Review status: criteria provided, single submitter. Criteria: LabCorp Variant Classification Summary - May 2015. Collection method: clinical testing. Allele origin: germline.
Comment: Variant summary: CPS1 c.796G>A (p.Gly266Arg) results in a non-conservative amino acid change in the encoded protein sequence. Algorithms developed to predict the effect of missense changes on protein structure and function all suggest that this variant is likely to be disruptive. The variant was absent in 251062 control chromosomes. The available data on variant occurrences in the general population are insufficient to allow any conclusion about variant significance. c.796G>A has been observed in the compound heterozygous state in an individual affected with Carbamoylphosphate Synthetase I Deficiency (Chen_2018). These data do not allow any conclusion about variant significance. To our knowledge, no experimental evidence demonstrating an impact on protein function has been reported. The following publication has been ascertained in the context of this evaluation (PMID: 29314318). No submitters have cited clinical-significance assessments for this variant to ClinVar. Based on the evidence outlined above, the variant was classified as uncertain significance.

Literature cited by the submitters: PubMed 29314318.

NM_001875.5(CPS1):c.796G>A (p.Gly266Arg)

Gene: CPS1 (carbamoyl-phosphate synthase 1; plus strand). Cytogenetic location: 2q34.
Variant type: single nucleotide variant.
Coding change: c.796G>A on transcript NM_001875.5 (MANE Select); coding-DNA position 796, G replaced by A.
Protein change: p.Gly266Arg; replaces glycine 266 with arginine.
Molecular consequence: missense variant. On other transcripts: non-coding transcript variant (1).
Genome position (GRCh38, 1-based): chr2:210,590,190, G>A. VCF-style: chr2-210590190-G-A. GRCh37 (hg19) VCF-style: chr2-211454914-G-A.
Other names: c.796G>A, p.Gly266Arg (NM_001122633.3, NM_001369257.1); c.829G>A, p.Gly277Arg (NM_001369256.1); short protein forms G266R, G277R.
Identifiers: ClinVar variation 4847896 (VCV004847896.1).